The following is an entry in ClinVar:

ClinVar aggregate classification (germline): Conflicting classifications of pathogenicity. Review status: criteria provided, conflicting classifications (1 of 4 stars). 4 submissions from 4 submitters: Uncertain significance (1); Likely benign (2). 1 of the submissions does not count toward it. Last evaluated 2025-11-18.

Conditions:
Hereditary cancer-predisposing syndrome. Also called: Tumor predisposition; Hereditary neoplastic syndrome; Neoplastic Syndromes, Hereditary; Hereditary Cancer Syndrome. Identifiers: Orphanet 140162, MedGen C0027672, MeSH D009386, MONDO:0015356.
Gorlin syndrome. Also called: Basal cell nevus syndrome; Nevoid Basal Cell Carcinoma Syndrome. Identifiers: Orphanet 377, MedGen C0004779, MONDO:0007187.
PTCH1-related disorder. Also called: PTCH1-related disorders; PTCH1-related condition.

Allele frequency attached by ClinVar (database versions not stated): TOPMed 0.00002.
gnomAD v4.1: 4 of 1,611,456 alleles (0.00025%); highest among the groups gnomAD compares: African/African-American, 0.0027%; no homozygotes.

Submissions (4):

Labcorp Genetics (formerly Invitae), Labcorp
Classification: Likely benign for Gorlin syndrome. Last evaluated: 2025-11-18. Review status: criteria provided, single submitter. Criteria: Invitae Variant Classification Sherloc (09022015). Collection method: clinical testing. Allele origin: germline.

Ambry Genetics
Classification: Likely benign for Hereditary cancer-predisposing syndrome. Last evaluated: 2018-06-26. Review status: criteria provided, single submitter. Criteria: Ambry Variant Classification Scheme 2023. Collection method: clinical testing. Allele origin: germline.

Eurofins Ntd Llc (ga)
Classification: Uncertain significance. Last evaluated: 2017-05-23. Review status: criteria provided, single submitter. Criteria: EGL Classification Definitions 2015. Collection method: clinical testing. Allele origin: germline. Observed: 1 variant allele, 1 heterozygote.

PreventionGenetics, part of Exact Sciences
Classification: Likely benign for PTCH1-related condition. Last evaluated: 2022-04-10. Review status: no assertion criteria provided. Collection method: clinical testing. Allele origin: germline. Not counted in ClinVar's aggregate classification.
Comment: This variant is classified as likely benign based on ACMG/AMP sequence variant interpretation guidelines (Richards et al. 2015 PMID: 25741868, with internal and published modifications).

NM_000264.5(PTCH1):c.4020C>T (p.Gly1340=)

Gene: PTCH1 (patched 1; minus strand). Cytogenetic location: 9q22.32.
Variant type: single nucleotide variant.
Coding change: c.4020C>T on transcript NM_000264.5 (MANE Select); coding-DNA position 4020, C replaced by T.
Protein change: p.Gly1340=; no amino-acid change (glycine 1340 retained).
Molecular consequence: synonymous variant. On other transcripts: non-coding transcript variant (1).
Genome position (GRCh38, 1-based): chr9:95,447,236, G>A on the plus strand (C>T on the coding strand, the complement: PTCH1 is on the minus strand). VCF-style: chr9-95447236-G-A. GRCh37 (hg19) VCF-style: chr9-98209518-G-A.
Other names: c.3822C>T, p.Gly1274= (NM_001083602.3); c.4017C>T, p.Gly1339= (NM_001083603.3); c.3567C>T, p.Gly1189= (NM_001083604.3, NM_001083605.3, NM_001083606.3 and 1 more transcripts); c.3864C>T, p.Gly1288= (NM_001354918.2).
Identifiers: ClinVar variation 501988 (VCV000501988.21), dbSNP rs773564643, ClinGen allele CA5137982.